The following is an entry in ClinVar:

NM_004820.5(CYP7B1):c.147A>G (p.Ile49Met)

Gene: CYP7B1 (cytochrome P450 family 7 subfamily B member 1; minus strand). Cytogenetic location: 8q12.3.
Variant type: single nucleotide variant.
Coding change: c.147A>G on transcript NM_004820.5 (MANE Select); coding-DNA position 147, A replaced by G.
Protein change: p.Ile49Met; replaces isoleucine 49 with methionine.
Molecular consequence: missense variant.
Genome position (GRCh38, 1-based): chr8:64,624,515, T>C on the plus strand (A>G on the coding strand, the complement: CYP7B1 is on the minus strand). VCF-style: chr8-64624515-T-C. GRCh37 (hg19) VCF-style: chr8-65537072-T-C.
Other names: c.147A>G, p.Ile49Met (NM_001324112.2); short protein forms I49M.
Identifiers: ClinVar variation 593143 (VCV000593143.11), dbSNP rs774259036, ClinGen allele CA4764282.

ClinVar aggregate classification (germline): Uncertain significance. Review status: criteria provided, multiple submitters, no conflicts (2 of 4 stars). 4 submissions from 4 submitters: Uncertain significance (4). Last evaluated 2025-08-30.

Conditions:
Inborn genetic diseases. Identifiers: MedGen C0950123, MeSH D030342.
Spastic paraplegia. Identifiers: MedGen C0037772, HP:0001258.

Allele frequency attached by ClinVar (database versions not stated): TOPMed below 0.00001; ExAC 0.00002; gnomAD exomes 0.00002 and 0.00003.
gnomAD v4.1: 41 of 1,613,544 alleles (0.0025%); highest among the groups gnomAD compares: Non-Finnish European, 0.0035%; no homozygotes.

Submissions (4):

Ambry Genetics
Classification: Uncertain significance for Inborn genetic diseases. Last evaluated: 2025-08-30. Review status: criteria provided, single submitter. Criteria: Ambry Variant Classification Scheme 2023. Collection method: clinical testing. Allele origin: germline.

Labcorp Genetics (formerly Invitae), Labcorp
Classification: Uncertain significance for Spastic paraplegia. Last evaluated: 2021-09-01. Review status: criteria provided, single submitter. Criteria: Invitae Variant Classification Sherloc (09022015). Collection method: clinical testing. Allele origin: germline.
Comment: This sequence change replaces isoleucine with methionine at codon 49 of the CYP7B1 protein (p.Ile49Met). The isoleucine residue is moderately conserved and there is a small physicochemical difference between isoleucine and methionine. This variant is present in population databases (rs774259036, ExAC 0.003%). This variant has not been reported in the literature in individuals affected with CYP7B1-related conditions. ClinVar contains an entry for this variant (Variation ID: 593143). Algorithms developed to predict the effect of missense changes on protein structure and function are either unavailable or do not agree on the potential impact of this missense change (SIFT: "Deleterious"; PolyPhen-2: "Probably Damaging"; Align-GVGD: "Class C0"). In summary, the available evidence is currently insufficient to determine the role of this variant in disease. Therefore, it has been classified as a Variant of Uncertain Significance.

Athena Diagnostics
Classification: Uncertain significance. Last evaluated: 2019-11-12. Review status: criteria provided, single submitter. Criteria: Athena Diagnostics Criteria. Collection method: clinical testing. Allele origin: unknown.

Eurofins Ntd Llc (ga)
Classification: Uncertain significance. Last evaluated: 2017-07-07. Review status: criteria provided, single submitter. Criteria: EGL Classification Definitions 2015. Collection method: clinical testing. Allele origin: germline. Observed: 1 variant allele, 1 heterozygote.